The following is an entry in ClinVar:

NM_015340.4(LARS2):c.1335A>G (p.Lys445=)

Genes: LARS2 (leucyl-tRNA synthetase 2, mitochondrial; plus strand), LARS2-AS1 (LARS2 antisense RNA 1; minus strand). Cytogenetic location: 3p21.31.
Variant type: single nucleotide variant.
Coding change: c.1335A>G on transcript NM_015340.4 (MANE Select); coding-DNA position 1335, A replaced by G.
Protein change: p.Lys445=; no amino-acid change (lysine 445 retained).
Molecular consequence: synonymous variant.
Genome position (GRCh38, 1-based): chr3:45,491,612, A>G. VCF-style: chr3-45491612-A-G. GRCh37 (hg19) VCF-style: chr3-45533104-A-G.
Other names: c.1335A>G, p.Lys445= (NM_001368263.1).
Identifiers: ClinVar variation 1926691 (VCV001926691.7), dbSNP rs1283174328, ClinGen allele CA433433513.

ClinVar aggregate classification (germline): Likely benign. Review status: criteria provided, multiple submitters, no conflicts (2 of 4 stars). 2 submissions from 2 submitters: Likely benign (2). Last evaluated 2026-06-01.

gnomAD v4.1: 2 of 1,614,218 alleles (0.00012%); no homozygotes.

Submissions (2):

CeGaT Center for Human Genetics Tuebingen
Classification: Likely benign. Last evaluated: 2026-06-01. Review status: criteria provided, single submitter. Criteria: CeGaT Center For Human Genetics Tuebingen Variant Classification Criteria Version 2. Collection method: clinical testing. Allele origin: germline. Affected: yes. Observed: 1 variant allele.
Comment: LARS2: BP4, BP7

Labcorp Genetics (formerly Invitae), Labcorp
Classification: Likely benign. Last evaluated: 2022-10-05. Review status: criteria provided, single submitter. Criteria: Invitae Variant Classification Sherloc (09022015). Collection method: clinical testing. Allele origin: germline.